The following is an entry in ClinVar:

NM_177438.3(DICER1):c.2020C>A (p.Pro674Thr)

Gene: DICER1 (dicer 1, ribonuclease III; minus strand). Cytogenetic location: 14q32.13.
Variant type: single nucleotide variant.
Coding change: c.2020C>A on transcript NM_177438.3 (MANE Select); coding-DNA position 2020, C replaced by A.
Protein change: p.Pro674Thr; replaces proline 674 with threonine.
Molecular consequence: missense variant. On other transcripts: non-coding transcript variant (6).
Genome position (GRCh38, 1-based): chr14:95,113,112, G>T on the plus strand (C>A on the coding strand, the complement: DICER1 is on the minus strand). VCF-style: chr14-95113112-G-T. GRCh37 (hg19) VCF-style: chr14-95579449-G-T.
Other names: c.1615C>A, p.Pro539Thr (NM_001395687.1, NM_001395688.1, NM_001395689.1 and 3 more transcripts); c.2020C>A, p.Pro674Thr (NM_001395692.1, NM_001395693.1, NM_001395694.1 and 13 more transcripts); c.1453C>A, p.Pro485Thr (NM_001395691.1); c.337C>A, p.Pro113Thr (NM_001395697.1); c.1738C>A, p.Pro580Thr (NM_001395686.1); short protein forms P113T, P539T, P580T, P674T, P485T.
Identifiers: ClinVar variation 1784549 (VCV001784549.3), dbSNP rs2140087701, ClinGen allele CA390883192.
Genomic context (GRCh38, chr14:95,113,112, plus strand): 5'-CATTTTAAAAGATAACAATCATTTCTTCTTCTAAACTTACAACAATGGAGGCTCGAAGAG[G>T]TGAGTTAATTGGCAGATAAAGAGTTGAATAAAATGTACCATCAGGCAACTCTCGGGTTCT-3'
Protein context (NP_803187.1, residues 664-684): YSTLYLPINS[Pro674Thr]LRASIVGPPM

ClinVar aggregate classification (germline): Uncertain significance. Review status: criteria provided, multiple submitters, no conflicts (2 of 4 stars). 2 submissions from 2 submitters: Uncertain significance (2). Last evaluated 2025-03-07.

Conditions:
DICER1-related tumor predisposition. Also called: DICER1-related pleuropulmonary blastoma cancer predisposition syndrome; DICER1 syndrome. Identifiers: Orphanet 284343, MedGen C3839822, MONDO:0100216.
Hereditary cancer-predisposing syndrome. Also called: Tumor predisposition; Neoplastic Syndromes, Hereditary; Hereditary Cancer Syndrome; Hereditary neoplastic syndrome. Identifiers: Orphanet 140162, MedGen C0027672, MeSH D009386, MONDO:0015356.

Submissions (2):

Labcorp Genetics (formerly Invitae), Labcorp
Classification: Uncertain significance for DICER1-related tumor predisposition. Last evaluated: 2025-03-07. Review status: criteria provided, single submitter. Criteria: Invitae Variant Classification Sherloc (09022015). Collection method: clinical testing. Allele origin: germline.
Comment: This sequence change replaces proline, which is neutral and non-polar, with threonine, which is neutral and polar, at codon 674 of the DICER1 protein (p.Pro674Thr). This variant is not present in population databases (gnomAD no frequency). This variant has not been reported in the literature in individuals affected with DICER1-related conditions. ClinVar contains an entry for this variant (Variation ID: 1784549). Invitae Evidence Modeling of protein sequence and biophysical properties (such as structural, functional, and spatial information, amino acid conservation, physicochemical variation, residue mobility, and thermodynamic stability) has been performed for this missense variant. However, the output from this modeling did not meet the statistical confidence thresholds required to predict the impact of this variant on DICER1 protein function. In summary, the available evidence is currently insufficient to determine the role of this variant in disease. Therefore, it has been classified as a Variant of Uncertain Significance.

Ambry Genetics
Classification: Uncertain significance for Hereditary cancer-predisposing syndrome. Last evaluated: 2021-10-26. Review status: criteria provided, single submitter. Criteria: Ambry Variant Classification Scheme 2023. Collection method: clinical testing. Allele origin: germline.
Comment: The p.P674T variant (also known as c.2020C>A), located in coding exon 11 of the DICER1 gene, results from a C to A substitution at nucleotide position 2020. The proline at codon 674 is replaced by threonine, an amino acid with highly similar properties. This amino acid position is highly conserved in available vertebrate species. In addition, this alteration is predicted to be deleterious by in silico analysis. Since supporting evidence is limited at this time, the clinical significance of this alteration remains unclear.